The following is an entry in ClinVar:

ClinVar aggregate classification (germline): Uncertain significance (1 of 4 stars; one submission).

Conditions:
Early-infantile DEE. Also called: Early infantile epileptic encephalopathy with suppression bursts; Early infantile epileptic encephalopathy; Ohtahara syndrome. Identifiers: Orphanet 1934, MedGen C0393706, MONDO:0800491.

Submission:

Labcorp Genetics (formerly Invitae), Labcorp
Classification: Uncertain significance for Early-infantile DEE. Last evaluated: 2023-07-09. Review status: criteria provided, single submitter. Criteria: Invitae Variant Classification Sherloc (09022015). Collection method: clinical testing. Allele origin: germline.
Comment: In summary, the available evidence is currently insufficient to determine the role of this variant in disease. Therefore, it has been classified as a Variant of Uncertain Significance. Advanced modeling of protein sequence and biophysical properties (such as structural, functional, and spatial information, amino acid conservation, physicochemical variation, residue mobility, and thermodynamic stability) has been performed at Invitae for this missense variant, however the output from this modeling did not meet the statistical confidence thresholds required to predict the impact of this variant on SPTAN1 protein function. This variant has not been reported in the literature in individuals affected with SPTAN1-related conditions. This variant is not present in population databases (gnomAD no frequency). This sequence change replaces proline, which is neutral and non-polar, with leucine, which is neutral and non-polar, at codon 2462 of the SPTAN1 protein (p.Pro2462Leu).

NM_001130438.3(SPTAN1):c.7385C>T (p.Pro2462Leu)

Gene: SPTAN1 (spectrin alpha, non-erythrocytic 1; plus strand). Cytogenetic location: 9q34.11.
Variant type: single nucleotide variant.
Coding change: c.7385C>T on transcript NM_001130438.3 (MANE Select); coding-DNA position 7385, C replaced by T.
Protein change: p.Pro2462Leu; replaces proline 2462 with leucine.
Molecular consequence: missense variant.
Genome position (GRCh38, 1-based): chr9:128,633,285, C>T. VCF-style: chr9-128633285-C-T. GRCh37 (hg19) VCF-style: chr9-131395564-C-T.
Other names: c.7310C>T, p.Pro2437Leu (NM_001195532.2); c.7448C>T, p.Pro2483Leu (NM_001363759.2); c.7325C>T, p.Pro2442Leu (NM_001363765.2, NM_001375314.2); c.7472C>T, p.Pro2491Leu (NM_001375310.1); c.7385C>T, p.Pro2462Leu (NM_001375311.2); c.7421C>T, p.Pro2474Leu (NM_001375312.2); c.7367C>T, p.Pro2456Leu (NM_001375313.1); c.7484C>T, p.Pro2495Leu (NM_001375318.1); and 1 more; short protein forms P2442L, P2474L, P2491L, P2456L, P2437L, P2462L, P2457L, P2483L.
Identifiers: ClinVar variation 2739950 (VCV002739950.3), dbSNP rs1356678215, ClinGen allele CA375103815.
Genomic context (GRCh38, chr9:128,633,285, plus strand): 5'-AAGCCGACTACTGCGTCTCCCACATGAAGCCCTACGTGGACGGCAAGGGCCGCGAGCTCC[C>T]CACCGCGTTCGACTACGTGGAGTTCACCCGCTCGCTTTTCGTGAACTGAGCCACTCCCTG-3'
Protein context (NP_001123910.1, residues 2452-2472): PYVDGKGREL[Pro2462Leu]TAFDYVEFTR